The following is an entry in ClinVar:

NM_005633.4(SOS1):c.1479G>T (p.Lys493Asn)

Gene: SOS1 (SOS Ras/Rac guanine nucleotide exchange factor 1; minus strand). Cytogenetic location: 2p22.1.
Variant type: single nucleotide variant.
Coding change: c.1479G>T on transcript NM_005633.4 (MANE Select); coding-DNA position 1479, G replaced by T.
Protein change: p.Lys493Asn; replaces lysine 493 with asparagine.
Molecular consequence: missense variant.
Genome position (GRCh38, 1-based): chr2:39,022,949, C>A on the plus strand (G>T on the coding strand, the complement: SOS1 is on the minus strand). VCF-style: chr2-39022949-C-A. GRCh37 (hg19) VCF-style: chr2-39250090-C-A.
Other names: c.1458G>T, p.Lys486Asn (NM_001382394.1); c.1479G>T, p.Lys493Asn (NM_001382395.1); short protein forms K486N, K493N.
Identifiers: ClinVar variation 1360083 (VCV001360083.8), dbSNP rs2124537221, ClinGen allele CA346366081.

ClinVar aggregate classification (germline): Uncertain significance (1 of 4 stars; one submission).

Conditions:
RASopathy. Also called: rasopathies; Noonan spectrum disorder. Identifiers: Orphanet 536391, MedGen C5555857, MONDO:0021060.

Submission:

Labcorp Genetics (formerly Invitae), Labcorp
Classification: Uncertain significance for RASopathy. Last evaluated: 2021-06-09. Review status: criteria provided, single submitter. Criteria: Invitae Variant Classification Sherloc (09022015). Collection method: clinical testing. Allele origin: germline.
Comment: In summary, the available evidence is currently insufficient to determine the role of this variant in disease. Therefore, it has been classified as a Variant of Uncertain Significance. Advanced modeling of protein sequence and biophysical properties (such as structural, functional, and spatial information, amino acid conservation, physicochemical variation, residue mobility, and thermodynamic stability) performed at Invitae indicates that this missense variant is expected to disrupt SOS1 protein function. This variant has not been reported in the literature in individuals with SOS1-related conditions. This variant is not present in population databases (ExAC no frequency). This sequence change replaces lysine with asparagine at codon 493 of the SOS1 protein (p.Lys493Asn). The lysine residue is moderately conserved and there is a moderate physicochemical difference between lysine and asparagine.